The following is an entry in ClinVar:

ClinVar aggregate classification (germline): Uncertain significance. Review status: criteria provided, multiple submitters, no conflicts (2 of 4 stars). 2 submissions from 2 submitters: Uncertain significance (2). Last evaluated 2025-04-25.

Conditions:
Inborn genetic diseases. Identifiers: MedGen C0950123, MeSH D030342.
2-aminoadipic 2-oxoadipic aciduria (AAKAD). Also called: Aminoadipic aciduria; ALPHA-AMINOADIPIC AND ALPHA-KETOADIPIC ACIDURIA. Identifiers: Orphanet 79154, MedGen C1859817, MONDO:0008774, OMIM 204750.

Allele frequency attached by ClinVar (database versions not stated): TOPMed below 0.00001; ExAC 0.00001; gnomAD 0.00001; ESP Exome Variant Server 0.00008.
gnomAD v4.1: 5 of 1,613,848 alleles (0.00031%); highest among the groups gnomAD compares: Non-Finnish European, 0.00042%; no homozygotes.

Submissions (2):

Ambry Genetics
Classification: Uncertain significance for Inborn genetic diseases. Last evaluated: 2025-04-25. Review status: criteria provided, single submitter. Criteria: Ambry Variant Classification Scheme 2023. Collection method: clinical testing. Allele origin: germline.

Labcorp Genetics (formerly Invitae), Labcorp
Classification: Uncertain significance for 2-aminoadipic 2-oxoadipic aciduria. Last evaluated: 2023-06-30. Review status: criteria provided, single submitter. Criteria: Invitae Variant Classification Sherloc (09022015). Collection method: clinical testing. Allele origin: germline.
Comment: In summary, the available evidence is currently insufficient to determine the role of this variant in disease. Therefore, it has been classified as a Variant of Uncertain Significance. Advanced modeling of protein sequence and biophysical properties (such as structural, functional, and spatial information, amino acid conservation, physicochemical variation, residue mobility, and thermodynamic stability) performed at Invitae indicates that this missense variant is not expected to disrupt DHTKD1 protein function. ClinVar contains an entry for this variant (Variation ID: 1411299). This variant has not been reported in the literature in individuals affected with DHTKD1-related conditions. This variant is present in population databases (rs150960212, gnomAD 0.002%). This sequence change replaces proline, which is neutral and non-polar, with serine, which is neutral and polar, at codon 871 of the DHTKD1 protein (p.Pro871Ser).

NM_018706.7(DHTKD1):c.2611C>T (p.Pro871Ser)

Gene: DHTKD1 (dehydrogenase E1 and transketolase domain containing 1; plus strand). Cytogenetic location: 10p14.
Variant type: single nucleotide variant.
Coding change: c.2611C>T on transcript NM_018706.7 (MANE Select); coding-DNA position 2611, C replaced by T.
Protein change: p.Pro871Ser; replaces proline 871 with serine.
Molecular consequence: missense variant.
Genome position (GRCh38, 1-based): chr10:12,120,220, C>T. VCF-style: chr10-12120220-C-T. GRCh37 (hg19) VCF-style: chr10-12162219-C-T.
Other names: c.2611C>T (NM_018706.5); short protein forms P871S.
Identifiers: ClinVar variation 1411299 (VCV001411299.7), dbSNP rs150960212, ClinGen allele CA5408325.